The following is an entry in ClinVar:

ClinVar aggregate classification (germline): Uncertain significance (1 of 4 stars; one submission).

Allele frequency attached by ClinVar (database versions not stated): gnomAD 0.00001.

Submission:

Labcorp Genetics (formerly Invitae), Labcorp
Classification: Uncertain significance. Last evaluated: 2021-11-07. Review status: criteria provided, single submitter. Criteria: Invitae Variant Classification Sherloc (09022015). Collection method: clinical testing. Allele origin: germline.
Comment: In summary, the available evidence is currently insufficient to determine the role of this variant in disease. Therefore, it has been classified as a Variant of Uncertain Significance. Algorithms developed to predict the effect of missense changes on protein structure and function are either unavailable or do not agree on the potential impact of this missense change (SIFT: "Deleterious"; PolyPhen-2: "Probably Damaging"; Align-GVGD: "Class C0"). This variant has not been reported in the literature in individuals affected with CACNA1D-related conditions. This variant is not present in population databases (gnomAD no frequency). This sequence change replaces proline, which is neutral and non-polar, with serine, which is neutral and polar, at codon 150 of the CACNA1D protein (p.Pro150Ser).

NM_001128840.3(CACNA1D):c.448C>T (p.Pro150Ser)

Gene: CACNA1D (calcium voltage-gated channel subunit alpha1 D; plus strand). Cytogenetic location: 3p21.1.
Variant type: single nucleotide variant.
Coding change: c.448C>T on transcript NM_001128840.3 (MANE Select); coding-DNA position 448, C replaced by T.
Protein change: p.Pro150Ser; replaces proline 150 with serine.
Molecular consequence: missense variant.
Genome position (GRCh38, 1-based): chr3:53,501,685, C>T. VCF-style: chr3-53501685-C-T. GRCh37 (hg19) VCF-style: chr3-53535712-C-T.
Other names: c.448C>T, p.Pro150Ser (NM_000720.4, NM_001128839.3); short protein forms P150S.
Identifiers: ClinVar variation 1444428 (VCV001444428.6), dbSNP rs2090610270, ClinGen allele CA353382819.